The following is an entry in ClinVar:

NM_000843.4(GRM6):c.55G>A (p.Ala19Thr)

Gene: GRM6 (glutamate metabotropic receptor 6; minus strand). Cytogenetic location: 5q35.3.
Variant type: single nucleotide variant.
Coding change: c.55G>A on transcript NM_000843.4 (MANE Select); coding-DNA position 55, G replaced by A.
Protein change: p.Ala19Thr; replaces alanine 19 with threonine.
Molecular consequence: missense variant.
Genome position (GRCh38, 1-based): chr5:178,994,890, C>T on the plus strand (G>A on the coding strand, the complement: GRM6 is on the minus strand). VCF-style: chr5-178994890-C-T. GRCh37 (hg19) VCF-style: chr5-178421891-C-T.
Other names: short protein forms A19T.
Identifiers: ClinVar variation 2149559 (VCV002149559.1), dbSNP rs1760746509, ClinGen allele CA362437163.

ClinVar aggregate classification (germline): Uncertain significance (1 of 4 stars; one submission).

Allele frequency attached by ClinVar (database versions not stated): gnomAD exomes below 0.00001; gnomAD 0.00001; TOPMed 0.00002.
gnomAD v4.1: 4 of 1,207,676 alleles (0.00033%); highest among the groups gnomAD compares: African/African-American, 0.0016%; no homozygotes.

Submission:

Labcorp Genetics (formerly Invitae), Labcorp
Classification: Uncertain significance. Last evaluated: 2022-08-05. Review status: criteria provided, single submitter. Criteria: Invitae Variant Classification Sherloc (09022015). Collection method: clinical testing. Allele origin: germline.
Comment: This sequence change replaces alanine, which is neutral and non-polar, with threonine, which is neutral and polar, at codon 19 of the GRM6 protein (p.Ala19Thr). This variant is not present in population databases (gnomAD no frequency). This variant has not been reported in the literature in individuals affected with GRM6-related conditions. Advanced modeling of protein sequence and biophysical properties (such as structural, functional, and spatial information, amino acid conservation, physicochemical variation, residue mobility, and thermodynamic stability) performed at Invitae indicates that this missense variant is not expected to disrupt GRM6 protein function. In summary, the available evidence is currently insufficient to determine the role of this variant in disease. Therefore, it has been classified as a Variant of Uncertain Significance.